The following is an entry in ClinVar:

NM_024675.4(PALB2):c.49-1123C>G

Gene: PALB2 (partner and localizer of BRCA2; minus strand). Cytogenetic location: 16p12.2.
Variant type: single nucleotide variant.
Coding change: c.49-1123C>G on transcript NM_024675.4 (MANE Select); 1123 bases into the intron before coding-DNA position 49, C replaced by G.
Molecular consequence: intron variant.
Genome position (GRCh38, 1-based): chr16:23,639,252, G>C on the plus strand (C>G on the coding strand, the complement: PALB2 is on the minus strand). VCF-style: chr16-23639252-G-C. GRCh37 (hg19) VCF-style: chr16-23650573-G-C.
Other names: c.49-1123C>G (NM_024675.3).
Identifiers: ClinVar variation 1470642 (VCV001470642.10), dbSNP rs2142467185, ClinGen allele CA2573152327.

ClinVar aggregate classification (germline): Conflicting classifications of pathogenicity. Review status: criteria provided, conflicting classifications (1 of 4 stars). 3 submissions from 3 submitters: Pathogenic (1); Uncertain significance (2). Last evaluated 2025-12-16.

Conditions:
Hereditary cancer-predisposing syndrome. Also called: Tumor predisposition; Hereditary Cancer Syndrome; Hereditary neoplastic syndrome; Neoplastic Syndromes, Hereditary. Identifiers: Orphanet 140162, MedGen C0027672, MeSH D009386, MONDO:0015356.
Familial cancer of breast. Also called: hereditary breast carcinoma; BREAST CANCER, FAMILIAL; Hereditary breast cancer. Identifiers: Orphanet 227535, MedGen C0346153, MONDO:0016419, OMIM 114480. Disease mechanism: loss of function.

Submissions (3):

Labcorp Genetics (formerly Invitae), Labcorp
Classification: Pathogenic for Familial cancer of breast. Last evaluated: 2025-12-16. Review status: criteria provided, single submitter. Criteria: Invitae Variant Classification Sherloc (09022015). Collection method: clinical testing. Allele origin: germline.
Comment: This sequence change falls in intron 1 of the PALB2 gene. It does not directly change the encoded amino acid sequence of the PALB2 protein. RNA analysis indicates that this variant induces altered splicing and may result in an absent or altered protein product. This variant is not present in population databases (gnomAD no frequency). This variant has not been reported in the literature in individuals affected with PALB2-related conditions. ClinVar contains an entry for this variant (Variation ID: 1470642). Studies have shown that this variant results in activation of a cryptic splice site resulting in the inclusion of a cryptic exon, and produces a non-functional protein and/or introduces a premature termination codon (internal data). For these reasons, this variant has been classified as Pathogenic.

Ambry Genetics
Classification: Uncertain significance for Hereditary cancer-predisposing syndrome. Last evaluated: 2025-08-06. Review status: criteria provided, single submitter. Criteria: Ambry Variant Classification Scheme 2023. Collection method: clinical testing. Allele origin: germline.
Comment: The c.49-1123C>G intronic variant results from a C to G substitution 1123 nucleotides upstream from coding exon 2 in the PALB2 gene. This nucleotide position is highly conserved in available vertebrate species. In silico splice site analysis predicts that this alteration may result in the creation or strengthening of a novel splice donor site. RNA studies have demonstrated that this alteration results in a splice defect; the clinical impact of this abnormal splicing is unknown at this time (Ambry internal data). Based on the available evidence, the clinical significance of this variant remains unclear.

Color Diagnostics, LLC DBA Color Health
Classification: Uncertain significance for Hereditary cancer-predisposing syndrome. Last evaluated: 2025-07-16. Review status: criteria provided, single submitter. Criteria: ACMG Guidelines, 2015. Collection method: clinical testing. Allele origin: germline.
Comment: This variant causes a C to G nucleotide substitution at the -1123 position of intron 1 of the PALB2 gene. Splice site prediction tools suggest that this variant may impact RNA splicing (PMID: 30661751, 35449021). An external laboratory has reported that this variant caused the inclusion of a pseudo-exon resulting in a premature termination codon, but the extent of the splicing defect was not described (ClinVar SCV002250953.4). To our knowledge, RNA and functional studies have not been reported for this variant in the literature. This variant has not been reported in individuals affected with PALB2-related disorders in the literature. This variant has not been identified in the general population by the Genome Aggregation Database (gnomAD). The available evidence is insufficient to determine the role of this variant in disease conclusively. Therefore, this variant is classified as a Variant of Uncertain Significance.

Literature cited by the submitters: PubMed 30661751 (cited by Color Diagnostics, LLC DBA Color Health); PubMed 35449021 (cited by Color Diagnostics, LLC DBA Color Health).